The following is an entry in ClinVar:

NM_001376.5(DYNC1H1):c.9490C>T (p.Arg3164Ter)

Gene: DYNC1H1 (dynein cytoplasmic 1 heavy chain 1; plus strand). Cytogenetic location: 14q32.31.
Variant type: single nucleotide variant.
Coding change: c.9490C>T on transcript NM_001376.5 (MANE Select); coding-DNA position 9490, C replaced by T.
Protein change: p.Arg3164Ter; replaces arginine 3164 with a stop codon.
Molecular consequence: nonsense.
Genome position (GRCh38, 1-based): chr14:102,029,560, C>T. VCF-style: chr14-102029560-C-T. GRCh37 (hg19) VCF-style: chr14-102495897-C-T.
Other names: short protein forms R3164*.
Identifiers: ClinVar variation 4293863 (VCV004293863.1).

ClinVar aggregate classification (germline): Likely pathogenic (1 of 4 stars; one submission).

Conditions:
Cortical dysplasia, complex, with other brain malformations 13. Also called: Intellectual disability, autosomal dominant 13. Identifiers: MedGen C3281202, MONDO:0013805, OMIM 614563.

Submission:

3billion
Classification: Likely pathogenic for Cortical dysplasia, complex, with other brain malformations 13. Last evaluated: 2024-11-13. Review status: criteria provided, single submitter. Criteria: ACMG Guidelines, 2015. Collection method: clinical testing. Allele origin: germline. Affected: yes.
Comment: The variant is not observed in the gnomAD v4.1.0 dataset. Predicted Consequence/Location: Stop-gained (nonsense): predicted to result in a loss or disruption of normal protein function through nonsense-mediated decay (NMD) or protein truncation. Multiple pathogenic variants are reported downstream of the variant. Therefore, this variant is classified as Likely pathogenic according to the recommendation of ACMG/AMP guideline.